The following is an entry in ClinVar:

NM_003283.6(TNNT1):c.106+67G>A

Gene: TNNT1 (troponin T1, slow skeletal type; minus strand). Cytogenetic location: 19q13.42.
Variant type: single nucleotide variant.
Coding change: c.106+67G>A on transcript NM_003283.6 (MANE Select); 67 bases into the intron after coding-DNA position 106, G replaced by A.
Molecular consequence: intron variant.
Genome position (GRCh38, 1-based): chr19:55,146,367, C>T on the plus strand (G>A on the coding strand, the complement: TNNT1 is on the minus strand). VCF-style: chr19-55146367-C-T. GRCh37 (hg19) VCF-style: chr19-55657735-C-T.
Other names: c.73+314G>A (NM_001126133.3, NM_001291774.2); c.106+67G>A (NM_001126132.3).
Identifiers: ClinVar variation 674430 (VCV000674430.2), dbSNP rs114353580, ClinGen allele CA310139215.

ClinVar aggregate classification (germline): Benign. Review status: criteria provided, multiple submitters, no conflicts (2 of 4 stars). 2 submissions from 2 submitters: Benign (2). Last evaluated 2018-06-14.

Allele frequency attached by ClinVar (database versions not stated): gnomAD 0.04503 and 0.04831; 1000 Genomes Project 0.04712; TOPMed 0.04830; 1000 Genomes Project 30x 0.05247.
gnomAD v4.1: 11,073 of 1,226,038 alleles (0.9%); highest among the groups gnomAD compares: African/African-American, 16%; 796 homozygotes.

Submissions (2):

GeneDx
Classification: Benign. Last evaluated: 2018-06-14. Review status: criteria provided, single submitter. Criteria: GeneDx Variant Classification (06012015). Collection method: clinical testing. Allele origin: germline. Affected: yes.
Comment: This variant is considered likely benign or benign based on one or more of the following criteria: it is a conservative change, it occurs at a poorly conserved position in the protein, it is predicted to be benign by multiple in silico algorithms, and/or has population frequency not consistent with disease.

Breakthrough Genomics
Classification: Benign. Review status: criteria provided, single submitter. Criteria: ACMG Guidelines, 2015. Collection method: not provided. Allele origin: germline. Inheritance: Autosomal recessive inheritance. Affected: yes.